The following is an entry in ClinVar:

NM_007294.3(BRCA1):c.-2030T>C

Genes: NBR2 (neighbor of BRCA1 lncRNA 2; plus strand), BRCA1 (BRCA1 DNA repair associated; minus strand), LOC111589215 (BRCA1 promoter region; plus strand). Cytogenetic location: 17q21.31.
Variant type: single nucleotide variant.
Coding change: c.-2030T>C on transcript NM_007294.3; 2030 bases upstream of the start codon, T replaced by C.
Molecular consequence: intron variant (on NM_001408458.1).
Genome position (GRCh38, 1-based): chr17:43,127,281, A>G on the plus strand (T>C on the coding strand, the complement: BRCA1 is on the minus strand). VCF-style: chr17-43127281-A-G. GRCh37 (hg19) VCF-style: chr17-41279298-A-G.
Other names: -1911 T>C; c.-61-11502T>C (NM_001408458.1).
Identifiers: ClinVar variation 209589 (VCV000209589.3), dbSNP rs4793204, ClinGen allele CA276558.

ClinVar aggregate classification (germline): Benign (3 of 4 stars; one submission).

Conditions:
Breast-ovarian cancer, familial, susceptibility to, 1 (BROVCA1). Also called: OVARIAN CANCER, SUSCEPTIBILITY TO; BRCA1 Hereditary Breast and Ovarian Cancer. Identifiers: Orphanet 145, MedGen C2676676, MONDO:0011450, OMIM 604370. Disease mechanism: loss of function.

Allele frequency attached by ClinVar (database versions not stated): gnomAD 0.30935 and 0.31678; 1000 Genomes Project 30x 0.34822; TOPMed 0.30288; 1000 Genomes Project 0.35423.
gnomAD v4.1: 48,224 of 152,182 alleles (32%); highest among the groups gnomAD compares: South Asian, 49%; 7,976 homozygotes.

Submission:

Evidence-based Network for the Interpretation of Germline Mutant Alleles (ENIGMA)
Classification: Benign for Breast-ovarian cancer, familial 1. Last evaluated: 2015-01-12. Review status: reviewed by expert panel. Criteria: ENIGMA BRCA1/2 Classification Criteria (2015). Collection method: curation. Allele origin: germline.
Comment: Class 1 not pathogenic based on frequency >1% in an outbred sampleset. Frequency 0.33 (Asian), 0.22 (African), 0.36 (European), derived from 1000 genomes (2012-04-30).